The following is an entry in ClinVar:

NM_001039348.3(EFEMP1):c.1061A>G (p.His354Arg)

Gene: EFEMP1 (EGF-like fibulin extracellular matrix protein 1; minus strand). Cytogenetic location: 2p16.1.
Variant type: single nucleotide variant.
Coding change: c.1061A>G on transcript NM_001039348.3 (MANE Select); coding-DNA position 1061, A replaced by G.
Protein change: p.His354Arg; replaces histidine 354 with arginine.
Molecular consequence: missense variant.
Genome position (GRCh38, 1-based): chr2:55,871,063, T>C on the plus strand (A>G on the coding strand, the complement: EFEMP1 is on the minus strand). VCF-style: chr2-55871063-T-C. GRCh37 (hg19) VCF-style: chr2-56098198-T-C.
Other names: c.1061A>G, p.His354Arg (NM_001039349.3); short protein forms H354R.
Identifiers: ClinVar variation 4799229 (VCV004799229.1).

ClinVar aggregate classification (germline): Uncertain significance (1 of 4 stars; one submission).

Submission:

Labcorp Genetics (formerly Invitae), Labcorp
Classification: Uncertain significance. Last evaluated: 2025-11-12. Review status: criteria provided, single submitter. Criteria: Invitae Variant Classification Sherloc (09022015). Collection method: clinical testing. Allele origin: germline.
Comment: This sequence change replaces histidine, which is basic and polar, with arginine, which is basic and polar, at codon 354 of the EFEMP1 protein (p.His354Arg). This variant is not present in population databases (gnomAD no frequency). This variant has not been reported in the literature in individuals affected with EFEMP1-related conditions. Invitae Evidence Modeling of protein sequence and biophysical properties (such as structural, functional, and spatial information, amino acid conservation, physicochemical variation, residue mobility, and thermodynamic stability) indicates that this missense variant is not expected to disrupt EFEMP1 protein function with a negative predictive value of 80%. In summary, the available evidence is currently insufficient to determine the role of this variant in disease. Therefore, it has been classified as a Variant of Uncertain Significance.